The following is an entry in ClinVar:

ClinVar aggregate classification (germline): Uncertain significance (1 of 4 stars; one submission).

Conditions:
FG syndrome (FGS). Identifiers: MedGen C0220769, MONDO:0002010.

Submission:

Labcorp Genetics (formerly Invitae), Labcorp
Classification: Uncertain significance for FG syndrome. Last evaluated: 2023-01-31. Review status: criteria provided, single submitter. Criteria: Invitae Variant Classification Sherloc (09022015). Collection method: clinical testing. Allele origin: germline.
Comment: This sequence change replaces aspartic acid, which is acidic and polar, with valine, which is neutral and non-polar, at codon 1986 of the MED12 protein (p.Asp1986Val). This variant is not present in population databases (gnomAD no frequency). This variant has not been reported in the literature in individuals affected with MED12-related conditions. Advanced modeling of protein sequence and biophysical properties (such as structural, functional, and spatial information, amino acid conservation, physicochemical variation, residue mobility, and thermodynamic stability) performed at Invitae indicates that this missense variant is not expected to disrupt MED12 protein function. Algorithms developed to predict the effect of sequence changes on RNA splicing suggest that this variant may disrupt the consensus splice site. In summary, the available evidence is currently insufficient to determine the role of this variant in disease. Therefore, it has been classified as a Variant of Uncertain Significance.

NM_005120.3(MED12):c.5957A>T (p.Asp1986Val)

Gene: MED12 (mediator complex subunit 12; plus strand). Cytogenetic location: Xq13.1.
Variant type: single nucleotide variant.
Coding change: c.5957A>T on transcript NM_005120.3 (MANE Select); coding-DNA position 5957, A replaced by T.
Protein change: p.Asp1986Val; replaces aspartic acid 1986 with valine.
Molecular consequence: missense variant.
Genome position (GRCh38, 1-based): chrX:71,137,856, A>T. VCF-style: chrX-71137856-A-T. GRCh37 (hg19) VCF-style: chrX-70357706-A-T.
Other names: short protein forms D1986V.
Identifiers: ClinVar variation 2870071 (VCV002870071.3), dbSNP rs1064796982, ClinGen allele CA413539426.